The following is an entry in ClinVar:

ClinVar aggregate classification (germline): Likely benign. Review status: criteria provided, single submitter (1 of 4 stars). 2 submissions from 2 submitters: Likely benign (1). 1 of the submissions does not count toward it. Last evaluated 2025-12-01.

Conditions:
HPSE2-related disorder. Also called: HPSE2-related condition.

Allele frequency attached by ClinVar (database versions not stated): gnomAD exomes 0.00011 and 0.00035; gnomAD 0.00016 and 0.00023; TOPMed 0.00024; ExAC 0.00036; 1000 Genomes Project 30x 0.00062; 1000 Genomes Project 0.00080.
gnomAD v4.1: 206 of 1,614,086 alleles (0.013%); highest among the groups gnomAD compares: East Asian, 0.37%; 1 homozygote.

Submissions (2):

Labcorp Genetics (formerly Invitae), Labcorp
Classification: Likely benign. Last evaluated: 2025-12-01. Review status: criteria provided, single submitter. Criteria: Invitae Variant Classification Sherloc (09022015). Collection method: clinical testing. Allele origin: germline.

PreventionGenetics, part of Exact Sciences
Classification: Likely benign for HPSE2-related condition. Last evaluated: 2022-05-17. Review status: no assertion criteria provided. Collection method: clinical testing. Allele origin: germline. Not counted in ClinVar's aggregate classification.
Comment: This variant is classified as likely benign based on ACMG/AMP sequence variant interpretation guidelines (Richards et al. 2015 PMID: 25741868, with internal and published modifications).

NM_021828.5(HPSE2):c.727A>T (p.Ser243Cys)

Gene: HPSE2 (heparanase 2 (inactive); minus strand). Cytogenetic location: 10q24.2.
Variant type: single nucleotide variant.
Coding change: c.727A>T on transcript NM_021828.5 (MANE Select); coding-DNA position 727, A replaced by T.
Protein change: p.Ser243Cys; replaces serine 243 with cysteine.
Molecular consequence: missense variant. On other transcripts: intron variant (2).
Genome position (GRCh38, 1-based): chr10:98,743,940, T>A on the plus strand (A>T on the coding strand, the complement: HPSE2 is on the minus strand). VCF-style: chr10-98743940-T-A. GRCh37 (hg19) VCF-style: chr10-100503697-T-A.
Other names: c.727A>T, p.Ser243Cys (NM_001166246.1); c.449-22112A>T (NM_001166245.1); c.611-22112A>T (NM_001166244.1); short protein forms S243C.
Identifiers: ClinVar variation 726975 (VCV000726975.9), dbSNP rs188784527, ClinGen allele CA5639929.